The following is an entry in ClinVar:

ClinVar aggregate classification (germline): Conflicting classifications of pathogenicity. Review status: criteria provided, conflicting classifications (1 of 4 stars). 5 submissions from 5 submitters: Uncertain significance (1); Likely benign (3). 1 of the submissions does not count toward it. Last evaluated 2026-01-08.

Conditions:
COQ8A-related disorder. Also called: COQ8A-related condition.
Autosomal recessive ataxia due to ubiquinone deficiency. Also called: SPINOCEREBELLAR ATAXIA, AUTOSOMAL RECESSIVE 9; Coenzyme Q10 deficiency, primary, 4. Identifiers: Orphanet 139485, MedGen C2677589, MONDO:0012784, OMIM 612016.

Allele frequency attached by ClinVar (database versions not stated): ESP Exome Variant Server 0.00008; gnomAD exomes 0.00009 and 0.00016; TOPMed 0.00010; gnomAD 0.00011 and 0.00013; ExAC 0.00013; 1000 Genomes Project 30x 0.00016; 1000 Genomes Project 0.00020.
gnomAD v4.1: 250 of 1,614,030 alleles (0.015%); highest among the groups gnomAD compares: East Asian, 0.29%; no homozygotes.

Submissions (5):

Labcorp Genetics (formerly Invitae), Labcorp
Classification: Likely benign. Last evaluated: 2026-01-08. Review status: criteria provided, single submitter. Criteria: Invitae Variant Classification Sherloc (09022015). Collection method: clinical testing. Allele origin: germline.

Blueprint Genetics
Classification: Likely benign. Last evaluated: 2024-05-08. Review status: criteria provided, single submitter. Criteria: ACMG Guidelines, 2015. Collection method: clinical testing. Allele origin: germline.

GeneDx
Classification: Likely benign. Last evaluated: 2019-02-07. Review status: criteria provided, single submitter. Criteria: GeneDx Variant Classification Process June 2021. Collection method: clinical testing. Allele origin: germline. Affected: yes.

Illumina Laboratory Services, Illumina
Classification: Uncertain significance for Autosomal recessive ataxia due to ubiquinone deficiency. Last evaluated: 2017-04-27. Review status: criteria provided, single submitter. Criteria: ICSL Variant Classification Criteria 13 December 2019. Collection method: clinical testing. Allele origin: germline.

PreventionGenetics, part of Exact Sciences
Classification: Likely benign for COQ8A-related condition. Last evaluated: 2020-08-03. Review status: no assertion criteria provided. Collection method: clinical testing. Allele origin: germline. Not counted in ClinVar's aggregate classification.
Comment: This variant is classified as likely benign based on ACMG/AMP sequence variant interpretation guidelines (Richards et al. 2015 PMID: 25741868, with internal and published modifications).

NM_020247.5(COQ8A):c.1752C>T (p.Thr584=)

Gene: COQ8A (coenzyme Q8A; plus strand). Cytogenetic location: 1q42.13.
Variant type: single nucleotide variant.
Coding change: c.1752C>T on transcript NM_020247.5 (MANE Select); coding-DNA position 1752, C replaced by T.
Protein change: p.Thr584=; no amino-acid change (threonine 584 retained).
Molecular consequence: synonymous variant.
Genome position (GRCh38, 1-based): chr1:226,986,545, C>T. VCF-style: chr1-226986545-C-T. GRCh37 (hg19) VCF-style: chr1-227174246-C-T.
Identifiers: ClinVar variation 719067 (VCV000719067.19), dbSNP rs201865243, ClinGen allele CA1425651.